The following is an entry in ClinVar:

ClinVar aggregate classification (germline): Pathogenic (1 of 4 stars; one submission).

Submission:

Labcorp Genetics (formerly Invitae), Labcorp
Classification: Pathogenic. Last evaluated: 2020-08-07. Review status: criteria provided, single submitter. Criteria: Invitae Variant Classification Sherloc (09022015). Collection method: clinical testing. Allele origin: germline.
Comment: For these reasons, this variant has been classified as Pathogenic. Loss-of-function variants in SLC4A11 are known to be pathogenic (PMID: 17220209, 17679935). This variant has not been reported in the literature in individuals with SLC4A11-related conditions. This variant is not present in population databases (ExAC no frequency). This sequence change creates a premature translational stop signal (p.Trp240Leufs*7) in the SLC4A11 gene. It is expected to result in an absent or disrupted protein product.

Literature cited by the submitters: PubMed 17220209; PubMed 17679935.

NM_001174089.2(SLC4A11):c.669dup (p.Trp224fs)

Gene: SLC4A11 (solute carrier family 4 member 11; minus strand). Cytogenetic location: 20p13.
Variant type: Duplication.
Coding change: c.669dup on transcript NM_001174089.2 (MANE Select); coding-DNA position 669, one base duplicated (C; older notation c.669dupC).
Protein change: p.Trp224fs; shifts the reading frame from tryptophan 224.
Molecular consequence: frameshift variant. On other transcripts: non-coding transcript variant (1).
Genome position (GRCh38, 1-based): chr20:3,233,574, G duplicated on the plus strand (C on the coding strand, the reverse complement: SLC4A11 is on the minus strand). VCF-style (leftmost placement, unchanged base first): chr20-3233573-A-AG. GRCh37 (hg19) VCF-style: chr20-3214219-A-AG.
Other names: c.798dup, p.Trp267fs (NM_001174090.2); c.669dup, p.Trp224fs (NM_001363745.2); c.717dup, p.Trp240fs (NM_032034.4); short protein forms W224fs, W240fs, W267fs.
Identifiers: ClinVar variation 1071834 (VCV001071834.7), dbSNP rs2122588719, ClinGen allele CA2499225700.